The following is an entry in ClinVar:

ClinVar aggregate classification (germline): Likely benign. Review status: criteria provided, multiple submitters, no conflicts (2 of 4 stars). 2 submissions from 2 submitters: Likely benign (2). Last evaluated 2018-01-12.

Conditions:
Hyaline fibromatosis syndrome (HFS). Also called: Hyalinosis, Inherited Systemic; HYALINOSIS, SYSTEMIC. Identifiers: Orphanet 2028, Orphanet 498474, MedGen C5574677, MONDO:0009229, OMIM 228600.

Allele frequency attached by ClinVar (database versions not stated): 1000 Genomes Project 30x 0.00234; 1000 Genomes Project 0.00240; TOPMed 0.00614.

Submissions (2):

Illumina Laboratory Services, Illumina
Classification: Likely benign for Hyaline fibromatosis syndrome. Last evaluated: 2018-01-12. Review status: criteria provided, single submitter. Criteria: ICSL Variant Classification Criteria 13 December 2019. Collection method: clinical testing. Allele origin: germline.
Comment: This variant was observed in the ICSL laboratory as part of a predisposition screen in an ostensibly healthy population. It had not been previously curated by ICSL or reported in the Human Gene Mutation Database (HGMD: prior to June 1st, 2018), and was therefore a candidate for classification through an automated scoring system. Utilizing variant allele frequency, disease prevalence and penetrance estimates, and inheritance mode, an automated score was calculated to assess if this variant is too frequent to cause the disease. Based on the score and internal cut-off values, a variant classified as likely benign is not then subjected to further curation. The score for this variant resulted in a classification of likely benign for this disease.

Breakthrough Genomics
Classification: Likely benign. Review status: criteria provided, single submitter. Criteria: ACMG Guidelines, 2015. Collection method: not provided. Allele origin: germline. Inheritance: Autosomal recessive inheritance. Affected: yes.

NM_058172.6(ANTXR2):c.*4856C>T

Gene: ANTXR2 (ANTXR cell adhesion molecule 2; minus strand). Cytogenetic location: 4q21.21.
Variant type: single nucleotide variant.
Coding change: c.*4856C>T on transcript NM_058172.6 (MANE Select); 4856 bases downstream of the stop codon, C replaced by T.
Molecular consequence: 3 prime UTR variant.
Genome position (GRCh38, 1-based): chr4:79,902,573, G>A on the plus strand (C>T on the coding strand, the complement: ANTXR2 is on the minus strand). VCF-style: chr4-79902573-G-A. GRCh37 (hg19) VCF-style: chr4-80823727-G-A.
Other names: c.*4856C>T (NM_001286780.2, NM_001286781.2).
Identifiers: ClinVar variation 906923 (VCV000906923.5), dbSNP rs149098653, ClinGen allele CA100488165.